The following is an entry in ClinVar:

NM_002356.7(MARCKS):c.616_632del (p.Glu206fs)

Gene: MARCKS (myristoylated alanine rich protein kinase C substrate; plus strand). Cytogenetic location: 6q21.
Variant type: Deletion.
Coding change: c.616_632del on transcript NM_002356.7 (MANE Select); coding-DNA positions 616 to 632, 17 bases deleted (GAGGCGGGCGCGGCCTC).
Protein change: p.Glu206fs; shifts the reading frame from glutamic acid 206.
Molecular consequence: frameshift variant.
Genome position (GRCh38, 1-based): chr6:113,860,196-113,860,212, GAGGCGGGCGCGGCCTC deleted; deleting any 17 consecutive bases within chr6:113,860,195-113,860,212 gives the same sequence; the c. name uses the placement nearest the transcript's 3' end. VCF-style (leftmost placement, unchanged base first): chr6-113860194-CCGAGGCGGGCGCGGCCT-C. GRCh37 (hg19) VCF-style: chr6-114181370-CCGAGGCGGGCGCGGCCT-C.
Other names: short protein forms E206fs.
Identifiers: ClinVar variation 521555 (VCV000521555.5), dbSNP rs1554191995, ClinGen allele CA658796806.
Genomic context (GRCh38, chr6:113,860,194, plus strand): 5'-AGGCGCCCGCTGCCGAAGGCGGCAAGGACGAGGCCGCCGGGGGCGCAGCTGCGGCCGCCG[CCGAGGCGGGCGCGGCCT>C]CCGGGGAGCAGGCAGCGGCGCCGGGCGAGGAGGCGGCAGCGGGCGAGGAGGGGGCGGCGG-3'

ClinVar aggregate classification (germline): Likely pathogenic (1 of 4 stars; one submission).

Submission:

Ambry Genetics
Classification: Likely pathogenic. Last evaluated: 2020-06-04. Review status: criteria provided, single submitter. Criteria: Ambry Variant Classification Scheme 2023. Collection method: clinical testing. Allele origin: germline.
Comment: This alteration results in an elongated protein:_x000D_ _x000D_ The c.616_632del17 (p.E206Rfs*130) alteration, located in coding exon 2 of the MARCKS gene, results from a deletion of 17 nucleotides from position 616 to 632, causing a translational frameshift with a predicted alternate stop codon. Frameshifts are typically deleterious in nature; however, this frameshift occurs at the 3' terminus of MARCKS, is not expected to trigger nonsense-mediated mRNA decay, and an altered mutant protein could still be expressed (Maquat, 2004). This frameshift changes the remaining 127 amino acids of the protein and elongates the protein by 2 amino acids. The exact functional impact of these altered amino acids is unknown at this time. This alteration is located in a functionally important protein domain:_x000D_ _x000D_ The p.E206RFS*130 amino acid starts in an observed calmodulin binding region, which is known be required for MARCKS protein function (Naim, 1992; Hartwig, 1992; Gallant, 2005). Based on the available evidence, this alteration is classified as likely pathogenic.

Literature cited by the submitters: PubMed 1395931; PubMed 1560845; PubMed 16046479.